The following is an entry in ClinVar:

NM_001371928.1(AHDC1):c.2197G>A (p.Ala733Thr)

Gene: AHDC1 (AT-hook DNA binding motif containing 1; minus strand). Cytogenetic location: 1p36.11.
Variant type: single nucleotide variant.
Coding change: c.2197G>A on transcript NM_001371928.1 (MANE Select); coding-DNA position 2197, G replaced by A.
Protein change: p.Ala733Thr; replaces alanine 733 with threonine.
Molecular consequence: missense variant.
Genome position (GRCh38, 1-based): chr1:27,549,919, C>T on the plus strand (G>A on the coding strand, the complement: AHDC1 is on the minus strand). VCF-style: chr1-27549919-C-T. GRCh37 (hg19) VCF-style: chr1-27876430-C-T.
Other names: c.2197G>A, p.Ala733Thr (NM_001029882.3); short protein forms A733T.
Identifiers: ClinVar variation 2979268 (VCV002979268.1), dbSNP rs543652040, ClinGen allele CA715809.
Genomic context (GRCh38, chr1:27,549,919, plus strand): 5'-CTGGGAACAGAGTCCCATTCTTCCGGGACCGTCTCTTGCGCTTTGGCTTCCCAGTCACAG[C>T]GTCTACCTCCCCCCGGCCCCGTTTGCGTGGGTGCCCCAACTCAGTAAGGCCCGGGCCCCC-3'
Protein context (NP_001358857.1, residues 723-743): PRKRGRGEVD[Ala733Thr]VTGKPKRKRR

ClinVar aggregate classification (germline): Uncertain significance (1 of 4 stars; one submission).

gnomAD v4.1: 30 of 1,613,446 alleles (0.0019%); highest among the groups gnomAD compares: Admixed American, 0.0033%; no homozygotes.

Submission:

Labcorp Genetics (formerly Invitae), Labcorp
Classification: Uncertain significance. Last evaluated: 2023-01-06. Review status: criteria provided, single submitter. Criteria: Invitae Variant Classification Sherloc (09022015). Collection method: clinical testing. Allele origin: germline.
Comment: Algorithms developed to predict the effect of missense changes on protein structure and function are either unavailable or do not agree on the potential impact of this missense change (SIFT: "Deleterious"; PolyPhen-2: "Possibly Damaging"; Align-GVGD: "Class C0"). In summary, the available evidence is currently insufficient to determine the role of this variant in disease. Therefore, it has been classified as a Variant of Uncertain Significance. This variant has not been reported in the literature in individuals affected with AHDC1-related conditions. This variant is present in population databases (rs543652040, gnomAD 0.003%). This sequence change replaces alanine, which is neutral and non-polar, with threonine, which is neutral and polar, at codon 733 of the AHDC1 protein (p.Ala733Thr).